The following is an entry in ClinVar:

NM_000077.5(CDKN2A):c.433dup (p.Ile145fs)

Gene: CDKN2A (cyclin dependent kinase inhibitor 2A; minus strand). Cytogenetic location: 9p21.3.
Variant type: Duplication.
Coding change: c.433dup on transcript NM_000077.5; coding-DNA position 433, one base duplicated (A; older notation c.433dupA).
Protein change: p.Ile145fs; shifts the reading frame from isoleucine 145.
Molecular consequence: frameshift variant (on NM_000077.4). On other transcripts: 3 prime UTR variant (2).
Genome position (GRCh38, 1-based): chr9:21,970,926, T duplicated on the plus strand (A on the coding strand, the reverse complement: CDKN2A is on the minus strand). VCF-style (leftmost placement, unchanged base first): chr9-21970925-A-AT. GRCh37 (hg19) VCF-style: chr9-21970924-A-AT.
Other names: c.433dupA (NM_000077.4); c.433dup, p.Ile145Asnfs (NM_000077.6); c.433dup, p.Ile145fs (NM_001195132.2); c.280dup, p.Ile94fs (NM_001363763.2); c.*77dup (NM_058195.4); c.*356dup (NM_058197.5); short protein forms I94fs, I145fs.
Identifiers: ClinVar variation 3830993 (VCV003830993.1).

ClinVar aggregate classification (germline): Uncertain significance (1 of 4 stars; one submission).

Conditions:
Hereditary cancer-predisposing syndrome. Also called: Tumor predisposition; Hereditary Cancer Syndrome; Hereditary neoplastic syndrome; Neoplastic Syndromes, Hereditary. Identifiers: Orphanet 140162, MedGen C0027672, MeSH D009386, MONDO:0015356.

Submission:

Ambry Genetics
Classification: Uncertain significance for Hereditary cancer-predisposing syndrome. Last evaluated: 2025-01-09. Review status: criteria provided, single submitter. Criteria: Ambry Variant Classification Scheme 2023. Collection method: clinical testing. Allele origin: germline.
Comment: The c.433dupA variant, located in coding exon 2 of the CDKN2A gene, results from a duplication of A at nucleotide position 433, causing a translational frameshift with a predicted alternate stop codon (p.I145Nfs*20). This alteration occurs at the 3' terminus of theCDKN2A gene, is not expected to trigger nonsense-mediated mRNAdecay and results in the elongation of the protein by 7 amino acids. This frameshift impacts the last 12amino acids of the native protein. The exact functional effect of the altered amino acids is unknown. Based on the available evidence, the clinical significance of this variant remains unclear.